The following is an entry in ClinVar:

ClinVar aggregate classification (germline): Uncertain significance (1 of 4 stars; one submission).

Conditions:
Tangier disease (TGD). Also called: HIGH DENSITY LIPOPROTEIN DEFICIENCY, TANGIER TYPE; HIGH DENSITY LIPOPROTEIN DEFICIENCY, TYPE 1; Cholesterol thesaurismosis. Identifiers: Orphanet 31150, MedGen C0039292, MONDO:0008783, OMIM 205400.

Submission:

MVZ Medizinische Genetik Mainz
Classification: Uncertain significance for Tangier disease. Last evaluated: 2026-07-30. Review status: criteria provided, single submitter. Criteria: UK Practice Guidelines For Variant Classification V4 01 2020. Collection method: clinical testing. Allele origin: germline. Inheritance: Autosomal recessive inheritance. Affected: yes. Observed: 1 variant allele.
Comment: ACMG Criteria: PVS1_MOD,PM2_SUP,PM3_SUP

NM_005502.4(ABCA1):c.4del (p.Ala2fs)

Gene: ABCA1 (ATP binding cassette subfamily A member 1; minus strand). Cytogenetic location: 9q31.1.
Variant type: Deletion.
Coding change: c.4del on transcript NM_005502.4 (MANE Select); coding-DNA position 4, one base deleted (G; older notation c.4delG).
Protein change: p.Ala2fs; shifts the reading frame from alanine 2.
Molecular consequence: frameshift variant, initiator codon variant.
Genome position (GRCh38, 1-based): chr9:104,903,676, C deleted on the plus strand (G on the coding strand, the reverse complement: ABCA1 is on the minus strand); the first of 2 consecutive C bases (chr9:104,903,676-104,903,677); deleting either gives the same sequence. VCF-style (leftmost placement, unchanged base first): chr9-104903675-GC-G. GRCh37 (hg19) VCF-style: chr9-107665956-GC-G.
Other names: short protein forms A2fs.
Identifiers: ClinVar variation 5038257 (VCV005038257.1).
Genomic context (GRCh38, chr9:104,903,675, plus strand): 5'-GTTTGTCTTCTTCTGAAAGTGAGGTTCTTCCACAGCAGCAACCTCAGCTGAGGCCAACAA[GC>G]CATGTTCCCTCAGCCAGCACCCCCAGCGTGTGGCTCGGGAGCCCTGGAAGGCAGCGGCCA-3'